The following is an entry in ClinVar:

NM_198253.3(TERT):c.3170G>A (p.Gly1057Glu)

Gene: TERT (telomerase reverse transcriptase; minus strand). Cytogenetic location: 5p15.33.
Variant type: single nucleotide variant.
Coding change: c.3170G>A on transcript NM_198253.3 (MANE Select); coding-DNA position 3170, G replaced by A.
Protein change: p.Gly1057Glu; replaces glycine 1057 with glutamic acid.
Molecular consequence: missense variant. On other transcripts: non-coding transcript variant (2).
Genome position (GRCh38, 1-based): chr5:1,254,493, C>T on the plus strand (G>A on the coding strand, the complement: TERT is on the minus strand). VCF-style: chr5-1254493-C-T. GRCh37 (hg19) VCF-style: chr5-1254608-C-T.
Other names: c.2981G>A, p.Gly994Glu (NM_001193376.3); short protein forms G1057E, G994E.
Identifiers: ClinVar variation 3754216 (VCV003754216.2).

ClinVar aggregate classification (germline): Uncertain significance (1 of 4 stars; one submission).

Conditions:
Dyskeratosis congenita, autosomal dominant 2. Identifiers: MedGen C3151443, MONDO:0013521, OMIM 613989.
Idiopathic Pulmonary Fibrosis. Also called: Idiopathic fibrosing alveolitis, chronic form; idiopathic fibrosing alveolitis. Identifiers: Orphanet 2032, MedGen C1800706, MeSH D054990, MONDO:0800504.

Submission:

Labcorp Genetics (formerly Invitae), Labcorp
Classification: Uncertain significance for Dyskeratosis congenita, autosomal dominant 2; Idiopathic Pulmonary Fibrosis. Last evaluated: 2024-06-05. Review status: criteria provided, single submitter. Criteria: Invitae Variant Classification Sherloc (09022015). Collection method: clinical testing. Allele origin: germline.
Comment: This sequence change replaces glycine, which is neutral and non-polar, with glutamic acid, which is acidic and polar, at codon 1057 of the TERT protein (p.Gly1057Glu). This variant is not present in population databases (gnomAD no frequency). This variant has not been reported in the literature in individuals affected with TERT-related conditions. Advanced modeling of protein sequence and biophysical properties (such as structural, functional, and spatial information, amino acid conservation, physicochemical variation, residue mobility, and thermodynamic stability) performed at Invitae indicates that this missense variant is expected to disrupt TERT protein function with a positive predictive value of 95%. In summary, the available evidence is currently insufficient to determine the role of this variant in disease. Therefore, it has been classified as a Variant of Uncertain Significance.